The following is an entry in ClinVar:

NM_001378778.1(MPDZ):c.926A>G (p.Asp309Gly)

Gene: MPDZ (multiple PDZ domain crumbs cell polarity complex component; minus strand). Cytogenetic location: 9p23.
Variant type: single nucleotide variant.
Coding change: c.926A>G on transcript NM_001378778.1 (MANE Select); coding-DNA position 926, A replaced by G.
Protein change: p.Asp309Gly; replaces aspartic acid 309 with glycine.
Molecular consequence: missense variant.
Genome position (GRCh38, 1-based): chr9:13,219,719, T>C on the plus strand (A>G on the coding strand, the complement: MPDZ is on the minus strand). VCF-style: chr9-13219719-T-C. GRCh37 (hg19) VCF-style: chr9-13219718-T-C.
Other names: c.926A>G, p.Asp309Gly (NM_001261406.2, NM_001261407.2, NM_001330637.2 and 14 more transcripts); short protein forms D309G.
Identifiers: ClinVar variation 450407 (VCV000450407.2), dbSNP rs1554706356, ClinGen allele CA372945795.
Genomic context (GRCh38, chr9:13,219,719, plus strand): 5'-ACTCTATTTCCACATTGCCTAAGGACTTGTGCTACTTGCTCACTGCTCATTCCTGCTAGA[T>C]CTGTGTCACCAATCTTTAGAATGTGGTCTCCACTGCATAAACGCCCATGCTGAGTAAAAC-3'
Protein context (NP_001365707.1, residues 299-319): GDHILKIGDT[Asp309Gly]LAGMSSEQVA

ClinVar aggregate classification (germline): Uncertain significance (1 of 4 stars; one submission).

Submission:

GeneDx
Classification: Uncertain significance. Last evaluated: 2017-07-05. Review status: criteria provided, single submitter. Criteria: GeneDx Variant Classification (06012015). Collection method: clinical testing. Allele origin: germline. Affected: yes.
Comment: The D309G variant in the MPDZ gene has not been reported previously as a pathogenic variant, nor as a benign variant, to our knowledge. The D309G variant is not observed in large population cohorts (Lek et al., 2016; 1000 Genomes Consortium et al., 2015; Exome Variant Server). The D309G variant is a non-conservative amino acid substitution, which is likely to impact secondary protein structure as these residues differ in polarity, charge, size and/or other properties. In silico analysis predicts this variant is probably damaging to the protein structure/function. However, this substitution occurs at a position that is not conserved. Therefore, we interpret D309G as a variant of uncertain significance.